The following is an entry in ClinVar:

NM_001276270.2(MBD4):c.724C>T (p.Pro242Ser)

Gene: MBD4 (methyl-CpG binding domain 4, DNA glycosylase; minus strand). Cytogenetic location: 3q21.3.
Variant type: single nucleotide variant.
Coding change: c.724C>T on transcript NM_001276270.2 (MANE Select); coding-DNA position 724, C replaced by T.
Protein change: p.Pro242Ser; replaces proline 242 with serine.
Molecular consequence: missense variant. On other transcripts: intron variant (1).
Genome position (GRCh38, 1-based): chr3:129,436,920, G>A on the plus strand (C>T on the coding strand, the complement: MBD4 is on the minus strand). VCF-style: chr3-129436920-G-A. GRCh37 (hg19) VCF-style: chr3-129155763-G-A.
Other names: c.724C>T, p.Pro242Ser (NM_001276271.2, NM_001276272.2, NM_003925.3); c.247+888C>T (NM_001276273.2); short protein forms P242S.
Identifiers: ClinVar variation 4713400 (VCV004713400.1).

ClinVar aggregate classification (germline): Uncertain significance (1 of 4 stars; one submission).

Submission:

Labcorp Genetics (formerly Invitae), Labcorp
Classification: Uncertain significance. Last evaluated: 2025-08-03. Review status: criteria provided, single submitter. Criteria: Invitae Variant Classification Sherloc (09022015). Collection method: clinical testing. Allele origin: germline.
Comment: This sequence change replaces proline, which is neutral and non-polar, with serine, which is neutral and polar, at codon 242 of the MBD4 protein (p.Pro242Ser). This variant is not present in population databases (gnomAD no frequency). This variant has not been reported in the literature in individuals affected with MBD4-related conditions. An algorithm developed to predict the effect of missense changes on protein structure and function (PolyPhen-2) suggests that this variant is likely to be tolerated. In summary, the available evidence is currently insufficient to determine the role of this variant in disease. Therefore, it has been classified as a Variant of Uncertain Significance.